The following is an entry in ClinVar:

ClinVar aggregate classification (germline): Uncertain significance. Review status: criteria provided, multiple submitters, no conflicts (2 of 4 stars). 2 submissions from 2 submitters: Uncertain significance (2). Last evaluated 2025-07-08.

Conditions:
Hereditary cancer-predisposing syndrome. Also called: Neoplastic Syndromes, Hereditary; Tumor predisposition; Hereditary neoplastic syndrome; Hereditary Cancer Syndrome. Identifiers: Orphanet 140162, MedGen C0027672, MeSH D009386, MONDO:0015356.
Familial adenomatous polyposis 1 (FAP1). Also called: POLYPOSIS, ADENOMATOUS INTESTINAL; FAMILIAL ADENOMATOUS POLYPOSIS 1, ATTENUATED. Identifiers: MedGen C2713442, MONDO:0021056, OMIM 175100. Disease mechanism: loss of function.

Submissions (2):

Ambry Genetics
Classification: Uncertain significance for Hereditary cancer-predisposing syndrome. Last evaluated: 2025-07-08. Review status: criteria provided, single submitter. Criteria: Ambry Variant Classification Scheme 2023. Collection method: clinical testing. Allele origin: germline.
Comment: The p.L2416F variant (also known as c.7246C>T), located in coding exon 15 of the APC gene, results from a C to T substitution at nucleotide position 7246. The leucine at codon 2416 is replaced by phenylalanine, an amino acid with highly similar properties. This amino acid position is well conserved in available vertebrate species. In addition, in silico predictors for this gene do not accurately predict pathogenicity. Missense alterations in APC are not a common cause of disease (Spier I et al. Genet Med. 2024 Feb;26(2):100992). Based on the available evidence, the clinical significance of this variant remains unclear.

Labcorp Genetics (formerly Invitae), Labcorp
Classification: Uncertain significance for Familial adenomatous polyposis 1. Last evaluated: 2020-01-29. Review status: criteria provided, single submitter. Criteria: Invitae Variant Classification Sherloc (09022015). Collection method: clinical testing. Allele origin: germline.
Comment: In summary, the available evidence is currently insufficient to determine the role of this variant in disease. Therefore, it has been classified as a Variant of Uncertain Significance. Algorithms developed to predict the effect of missense changes on protein structure and function are either unavailable or do not agree on the potential impact of this missense change (SIFT: "Deleterious"; PolyPhen-2: "Probably Damaging"; Align-GVGD: "Class C0"). This variant has not been reported in the literature in individuals with APC-related conditions. This variant is not present in population databases (ExAC no frequency). This sequence change replaces leucine with phenylalanine at codon 2416 of the APC protein (p.Leu2416Phe). The leucine residue is highly conserved and there is a small physicochemical difference between leucine and phenylalanine.

NM_000038.6(APC):c.7246C>T (p.Leu2416Phe)

Gene: APC (APC regulator of Wnt signaling pathway; plus strand). Cytogenetic location: 5q22.2.
Variant type: single nucleotide variant.
Coding change: c.7246C>T on transcript NM_000038.6 (MANE Select); coding-DNA position 7246, C replaced by T.
Protein change: p.Leu2416Phe; replaces leucine 2416 with phenylalanine.
Molecular consequence: missense variant.
Genome position (GRCh38, 1-based): chr5:112,842,840, C>T. VCF-style: chr5-112842840-C-T. GRCh37 (hg19) VCF-style: chr5-112178537-C-T.
Other names: c.7246C>T, p.Leu2416Phe (NM_001127510.3, NM_001354895.2); c.7192C>T, p.Leu2398Phe (NM_001127511.3); c.7300C>T, p.Leu2434Phe (NM_001354896.2); c.7276C>T, p.Leu2426Phe (NM_001354897.2); c.7171C>T, p.Leu2391Phe (NM_001354898.2); c.7162C>T, p.Leu2388Phe (NM_001354899.2); c.7123C>T, p.Leu2375Phe (NM_001354900.2); c.7069C>T, p.Leu2357Phe (NM_001354901.2); and 5 more; short protein forms L2290F, L2426F, L2434F, L2133F, L2256F, L2315F, L2388F, L2416F.
Identifiers: ClinVar variation 826928 (VCV000826928.53), dbSNP rs1482981174, ClinGen allele CA16037117.
Genomic context (GRCh38, chr5:112,842,840, plus strand): 5'-TCTGCCTCCAAAGGACTAAATCAGATGAATAATGGTAATGGAGCCAATAAAAAGGTAGAA[C>T]TTTCTAGAATGTCTTCAACTAAATCAAGTGGAAGTGAATCTGATAGATCAGAAAGACCTG-3'
Protein context (NP_000029.2, residues 2406-2426): NGNGANKKVE[Leu2416Phe]SRMSSTKSSG